The following is an entry in ClinVar:

NM_000038.6(APC):c.1616A>T (p.Asp539Val)

Gene: APC (APC regulator of Wnt signaling pathway; plus strand). Cytogenetic location: 5q22.2.
Variant type: single nucleotide variant.
Coding change: c.1616A>T on transcript NM_000038.6 (MANE Select); coding-DNA position 1616, A replaced by T.
Protein change: p.Asp539Val; replaces aspartic acid 539 with valine.
Molecular consequence: missense variant.
Genome position (GRCh38, 1-based): chr5:112,827,996, A>T. VCF-style: chr5-112827996-A-T. GRCh37 (hg19) VCF-style: chr5-112163693-A-T.
Other names: c.1616A>T, p.Asp539Val (NM_001127510.3, NM_001354895.2); c.1562A>T, p.Asp521Val (NM_001127511.3); c.1670A>T, p.Asp557Val (NM_001354896.2); c.1646A>T, p.Asp549Val (NM_001354897.2); c.1541A>T, p.Asp514Val (NM_001354898.2); c.1532A>T, p.Asp511Val (NM_001354899.2); c.1493A>T, p.Asp498Val (NM_001354900.2); c.1439A>T, p.Asp480Val (NM_001354901.2); and 5 more; short protein forms D256V, D379V, D413V, D438V, D448V, D480V, D498V, D511V.
Identifiers: ClinVar variation 1332170 (VCV001332170.3), dbSNP rs1432714177, ClinGen allele CA16024837.

ClinVar aggregate classification (germline): Uncertain significance (1 of 4 stars; one submission).

Conditions:
Hereditary cancer-predisposing syndrome. Also called: Tumor predisposition; Hereditary Cancer Syndrome; Neoplastic Syndromes, Hereditary; Hereditary neoplastic syndrome. Identifiers: Orphanet 140162, MedGen C0027672, MeSH D009386, MONDO:0015356.

Submission:

Color Diagnostics, LLC DBA Color Health
Classification: Uncertain significance for Hereditary cancer-predisposing syndrome. Last evaluated: 2024-03-06. Review status: criteria provided, single submitter. Criteria: ACMG Guidelines, 2015. Collection method: clinical testing. Allele origin: germline.
Comment: This missense variant replaces aspartic acid with valine at codon 539 of the APC protein. Computational prediction suggests that this variant may have deleterious impact on protein structure and function (internally defined REVEL score threshold >= 0.7, PMID: 27666373). To our knowledge, functional studies have not been reported for this variant. This variant has not been reported in individuals affected with hereditary cancer in the literature. This variant has not been identified in the general population by the Genome Aggregation Database (gnomAD). The available evidence is insufficient to determine the role of this variant in disease conclusively. Therefore, this variant is classified as a Variant of Uncertain Significance.